The following is an entry in ClinVar:

NM_000057.4(BLM):c.3388A>G (p.Ile1130Val)

Gene: BLM (BLM RecQ like helicase; plus strand). Cytogenetic location: 15q26.1.
Variant type: single nucleotide variant.
Coding change: c.3388A>G on transcript NM_000057.4 (MANE Select); coding-DNA position 3388, A replaced by G.
Protein change: p.Ile1130Val; replaces isoleucine 1130 with valine.
Molecular consequence: missense variant. On other transcripts: intron variant (1).
Genome position (GRCh38, 1-based): chr15:90,803,550, A>G. VCF-style: chr15-90803550-A-G. GRCh37 (hg19) VCF-style: chr15-91346780-A-G.
Other names: c.3388A>G, p.Ile1130Val (NM_001287246.2); c.2263A>G, p.Ile755Val (NM_001287248.2); c.3358+5213A>G (NM_001287247.2); short protein forms I1130V, I755V.
Identifiers: ClinVar variation 1005861 (VCV001005861.7), dbSNP rs1897213239, ClinGen allele CA393847488.

ClinVar aggregate classification (germline): Uncertain significance. Review status: criteria provided, multiple submitters, no conflicts (2 of 4 stars). 2 submissions from 2 submitters: Uncertain significance (2). Last evaluated 2024-09-10.

Conditions:
Hereditary cancer-predisposing syndrome. Also called: Hereditary neoplastic syndrome; Neoplastic Syndromes, Hereditary; Tumor predisposition; Hereditary Cancer Syndrome. Identifiers: Orphanet 140162, MedGen C0027672, MeSH D009386, MONDO:0015356.
Bloom syndrome (BLM). Also called: Bloom-Torre-Machacek syndrome. Identifiers: Orphanet 125, MedGen C0005859, MONDO:0008876, OMIM 210900.

gnomAD v4.1: 1 of 1,613,902 alleles (0.000062%); highest among the groups gnomAD compares: Non-Finnish European, 0.000085%; no homozygotes.

Submissions (2):

Labcorp Genetics (formerly Invitae), Labcorp
Classification: Uncertain significance for Bloom syndrome. Last evaluated: 2024-09-10. Review status: criteria provided, single submitter. Criteria: Invitae Variant Classification Sherloc (09022015). Collection method: clinical testing. Allele origin: germline.
Comment: This sequence change replaces isoleucine, which is neutral and non-polar, with valine, which is neutral and non-polar, at codon 1130 of the BLM protein (p.Ile1130Val). This variant is not present in population databases (gnomAD no frequency). This variant has not been reported in the literature in individuals affected with BLM-related conditions. ClinVar contains an entry for this variant (Variation ID: 1005861). Invitae Evidence Modeling of protein sequence and biophysical properties (such as structural, functional, and spatial information, amino acid conservation, physicochemical variation, residue mobility, and thermodynamic stability) indicates that this missense variant is not expected to disrupt BLM protein function with a negative predictive value of 80%. In summary, the available evidence is currently insufficient to determine the role of this variant in disease. Therefore, it has been classified as a Variant of Uncertain Significance.

Ambry Genetics
Classification: Uncertain significance for Hereditary cancer-predisposing syndrome. Last evaluated: 2023-12-01. Review status: criteria provided, single submitter. Criteria: Ambry Variant Classification Scheme 2023. Collection method: clinical testing. Allele origin: germline.
Comment: The p.I1130V variant (also known as c.3388A>G), located in coding exon 17 of the BLM gene, results from an A to G substitution at nucleotide position 3388. The isoleucine at codon 1130 is replaced by valine, an amino acid with highly similar properties. This amino acid position is conserved. In addition, this alteration is predicted to be tolerated by in silico analysis. Since supporting evidence is limited at this time, the clinical significance of this alteration remains unclear.